The following is an entry in ClinVar:

NM_000486.6(AQP2):c.140C>T (p.Ala47Val)

Gene: AQP2 (aquaporin 2; plus strand). Cytogenetic location: 12q13.12.
Variant type: single nucleotide variant.
Coding change: c.140C>T on transcript NM_000486.6 (MANE Select); coding-DNA position 140, C replaced by T.
Protein change: p.Ala47Val; replaces alanine 47 with valine.
Molecular consequence: missense variant.
Genome position (GRCh38, 1-based): chr12:49,950,970, C>T. VCF-style: chr12-49950970-C-T. GRCh37 (hg19) VCF-style: chr12-50344753-C-T.
Other names: short protein forms A47V.
Identifiers: ClinVar variation 631682 (VCV000631682.9), dbSNP rs995684800, ClinGen allele CA236731189.

ClinVar aggregate classification (germline): Likely pathogenic. Review status: criteria provided, multiple submitters, no conflicts (2 of 4 stars). 2 submissions from 2 submitters: Likely pathogenic (2). Last evaluated 2026-01-21.

Conditions:
Nephrogenic diabetes insipidus. Identifiers: Orphanet 223, MedGen C0162283, MONDO:0016383, HP:0009806.

Allele frequency attached by ClinVar (database versions not stated): TOPMed below 0.00001.
gnomAD v4.1: 7 of 1,614,188 alleles (0.00043%); highest among the groups gnomAD compares: East Asian, 0.0022%; no homozygotes.

Submissions (2):

Natera, Inc.
Classification: Likely pathogenic for Nephrogenic diabetes insipidus. Last evaluated: 2026-01-21. Review status: criteria provided, single submitter. Criteria: Natera Variant Classification Schema (03/2026). Collection method: clinical testing. Allele origin: germline.
Comment: The c.140C>T variant in AQP2 is a missense variant predicted to cause substitution of alanine to valine at amino acid 47. This variant is rare in the general population with a frequency below the threshold expected for the associated phenotype(s). This variant has been observed in one or more individuals affected with the associated recessive disease, as either homozygous or compound heterozygous with a second variant (PMID: 12191971, 34120413, 38622833). Computational prediction algorithms indicate this variant is likely to affect gene or protein function. Given the available evidence, this variant is classified as Likely Pathogenic.

Labcorp Genetics (formerly Invitae), Labcorp
Classification: Likely pathogenic. Last evaluated: 2023-10-11. Review status: criteria provided, single submitter. Criteria: Invitae Variant Classification Sherloc (09022015). Collection method: clinical testing. Allele origin: germline.
Comment: This sequence change replaces alanine, which is neutral and non-polar, with valine, which is neutral and non-polar, at codon 47 of the AQP2 protein (p.Ala47Val). This variant is present in population databases (no rsID available, gnomAD 0.006%). This missense change has been observed in individuals with autosomal recessive diabetes insipidus (PMID: 11853799, 34120413). It has also been observed to segregate with disease in related individuals. ClinVar contains an entry for this variant (Variation ID: 631682). Advanced modeling of protein sequence and biophysical properties (such as structural, functional, and spatial information, amino acid conservation, physicochemical variation, residue mobility, and thermodynamic stability) performed at Invitae indicates that this missense variant is not expected to disrupt AQP2 protein function. Experimental studies have shown that this missense change affects AQP2 function (PMID: 11853799, 27641679). In summary, the currently available evidence indicates that the variant is pathogenic, but additional data are needed to prove that conclusively. Therefore, this variant has been classified as Likely Pathogenic.

Literature cited by the submitters: PubMed 12191971 (cited by Natera, Inc.); PubMed 34120413 (cited by Natera, Inc. and Labcorp Genetics (formerly Invitae), Labcorp); PubMed 38622833 (cited by Natera, Inc.); PubMed 11853799 (cited by Labcorp Genetics (formerly Invitae), Labcorp); PubMed 27641679 (cited by Labcorp Genetics (formerly Invitae), Labcorp).